The following is an entry in ClinVar:

NM_014795.4(ZEB2):c.71dup (p.Asn24fs)

Gene: ZEB2 (zinc finger E-box binding homeobox 2; minus strand). Cytogenetic location: 2q22.3.
Variant type: Duplication.
Coding change: c.71dup on transcript NM_014795.4 (MANE Select); coding-DNA position 71, one base duplicated (A; older notation c.71dupA).
Protein change: p.Asn24fs; shifts the reading frame from asparagine 24.
Molecular consequence: frameshift variant. On other transcripts: non-coding transcript variant (1).
Genome position (GRCh38, 1-based): chr2:144,517,280, T duplicated on the plus strand (A on the coding strand, the reverse complement: ZEB2 is on the minus strand); the first of 5 consecutive T bases (chr2:144,517,280-144,517,284); duplicating any one gives the same sequence. VCF-style (leftmost placement, unchanged base first): chr2-144517279-G-GT. GRCh37 (hg19) VCF-style: chr2-145274846-G-GT.
Other names: c.71dup, p.Asn24fs (NM_001171653.2); c.71dupA (NM_014795.3); short protein forms N24fs.
Identifiers: ClinVar variation 559637 (VCV000559637.5), dbSNP rs1553971826, ClinGen allele CA658822692.

ClinVar aggregate classification (germline): Pathogenic. Review status: criteria provided, single submitter (1 of 4 stars). 2 submissions from 2 submitters: Pathogenic (1). 1 of the submissions does not count toward it. Last evaluated 2022-03-17.

Conditions:
Mowat-Wilson syndrome (MOWS). Also called: Classic Mowat-Wilson Syndrome. Identifiers: Orphanet 2152, MedGen C1856113, MONDO:0009341, OMIM 235730.

Submissions (2):

Labcorp Genetics (formerly Invitae), Labcorp
Classification: Pathogenic for Mowat-Wilson syndrome. Last evaluated: 2022-03-17. Review status: criteria provided, single submitter. Criteria: Invitae Variant Classification Sherloc (09022015). Collection method: clinical testing. Allele origin: germline.
Comment: For these reasons, this variant has been classified as Pathogenic. ClinVar contains an entry for this variant (Variation ID: 559637). This variant has not been reported in the literature in individuals affected with ZEB2-related conditions. This variant is not present in population databases (gnomAD no frequency). This sequence change creates a premature translational stop signal (p.Asn24Lysfs*6) in the ZEB2 gene. It is expected to result in an absent or disrupted protein product. Loss-of-function variants in ZEB2 are known to be pathogenic (PMID: 16053902).

Molecular Genetics Laboratory, BC Children's and BC Women's Hospitals
Classification: Pathogenic for Mowat-Wilson syndrome. Last evaluated: 2018-03-22. Review status: no assertion criteria provided. Criteria: ACMG Guidelines, 2015. Collection method: clinical testing. Allele origin: de novo. Affected: yes. Not counted in ClinVar's aggregate classification.

Literature cited by the submitters: PubMed 16053902 (cited by Labcorp Genetics (formerly Invitae), Labcorp).